The following is an entry in ClinVar:

ClinVar aggregate classification (germline): Uncertain significance (1 of 4 stars; one submission).

Conditions:
Early-infantile DEE. Also called: Ohtahara syndrome; Early infantile epileptic encephalopathy with suppression bursts; Early infantile epileptic encephalopathy. Identifiers: Orphanet 1934, MedGen C0393706, MONDO:0800491.

Allele frequency attached by ClinVar (database versions not stated): TOPMed below 0.00001; gnomAD 0.00001.
gnomAD v4.1: 1 of 1,613,496 alleles (0.000062%); highest among the groups gnomAD compares: Non-Finnish European, 0.000085%; no homozygotes.

Submission:

Labcorp Genetics (formerly Invitae), Labcorp
Classification: Uncertain significance for Early-infantile DEE. Last evaluated: 2022-02-03. Review status: criteria provided, single submitter. Criteria: Invitae Variant Classification Sherloc (09022015). Collection method: clinical testing. Allele origin: germline.
Comment: This variant has not been reported in the literature in individuals affected with SPTAN1-related conditions. This variant is not present in population databases (gnomAD no frequency). This sequence change falls in intron 48 of the SPTAN1 gene. It does not directly change the encoded amino acid sequence of the SPTAN1 protein. It affects a nucleotide within the consensus splice site. Variants that disrupt the consensus splice site are a relatively common cause of aberrant splicing (PMID: 17576681, 9536098). Algorithms developed to predict the effect of sequence changes on RNA splicing suggest that this variant may disrupt the consensus splice site. In summary, the available evidence is currently insufficient to determine the role of this variant in disease. Therefore, it has been classified as a Variant of Uncertain Significance.

Literature cited by the submitters: PubMed 17576681; PubMed 9536098.

NM_001130438.3(SPTAN1):c.6279+4A>T

Gene: SPTAN1 (spectrin alpha, non-erythrocytic 1; plus strand). Cytogenetic location: 9q34.11.
Variant type: single nucleotide variant.
Coding change: c.6279+4A>T on transcript NM_001130438.3 (MANE Select); 4 bases into the intron after coding-DNA position 6279, A replaced by T.
Molecular consequence: intron variant.
Genome position (GRCh38, 1-based): chr9:128,625,982, A>T. VCF-style: chr9-128625982-A-T. GRCh37 (hg19) VCF-style: chr9-131388261-A-T.
Other names: c.6315+4A>T (NM_001375318.1, NM_001375312.2); c.6279+4A>T (NM_001375311.2, NM_001375310.1, NM_001363759.2 and 1 more transcripts); c.6219+4A>T (NM_001375314.2, NM_001363765.2); c.6264+4A>T (NM_003127.4); c.6204+4A>T (NM_001195532.2).
Identifiers: ClinVar variation 1471384 (VCV001471384.7), dbSNP rs1274186786, ClinGen allele CA860268464.